The following is an entry in ClinVar:

ClinVar aggregate classification (germline): Uncertain significance (1 of 4 stars; one submission).

gnomAD v4.1: 1 of 1,607,088 alleles (0.000062%); highest among the groups gnomAD compares: South Asian, 0.0011%; no homozygotes.

Submission:

Labcorp Genetics (formerly Invitae), Labcorp
Classification: Uncertain significance. Last evaluated: 2025-06-27. Review status: criteria provided, single submitter. Criteria: Invitae Variant Classification Sherloc (09022015). Collection method: clinical testing. Allele origin: germline.
Comment: This sequence change replaces lysine, which is basic and polar, with arginine, which is basic and polar, at codon 564 of the KIF23 protein (p.Lys564Arg). This variant is not present in population databases (gnomAD no frequency). This variant has not been reported in the literature in individuals affected with KIF23-related conditions. Invitae Evidence Modeling of protein sequence and biophysical properties (such as structural, functional, and spatial information, amino acid conservation, physicochemical variation, residue mobility, and thermodynamic stability) indicates that this missense variant is not expected to disrupt KIF23 protein function with a negative predictive value of 80%. In summary, the available evidence is currently insufficient to determine the role of this variant in disease. Therefore, it has been classified as a Variant of Uncertain Significance.

NM_001367805.3(KIF23):c.1733A>G (p.Lys578Arg)

Gene: KIF23 (kinesin family member 23; plus strand). Cytogenetic location: 15q23.
Variant type: single nucleotide variant.
Coding change: c.1733A>G on transcript NM_001367805.3 (MANE Select); coding-DNA position 1733, A replaced by G.
Protein change: p.Lys578Arg; replaces lysine 578 with arginine.
Molecular consequence: missense variant. On other transcripts: non-coding transcript variant (2).
Genome position (GRCh38, 1-based): chr15:69,438,383, A>G. VCF-style: chr15-69438383-A-G. GRCh37 (hg19) VCF-style: chr15-69730722-A-G.
Other names: c.1691A>G, p.Lys564Arg (NM_001367804.2, NM_004856.7, NM_138555.4); c.1361A>G, p.Lys454Arg (NM_001281301.2); short protein forms K454R, K564R, K578R.
Identifiers: ClinVar variation 4775845 (VCV004775845.1).
Genomic context (GRCh38, chr15:69,438,383, plus strand): 5'-TAAATGAAAAGGAGAAGATGATCTCAGGACAGAAATTGGAAATAGAACGACTGGAAAAGA[A>G]AAACAAAACTTTAGAATATAAGGTTTGTTTTGACATTATTATGATAGATGTATGTGCTGG-3'
Protein context (NP_001354734.1, residues 568-588): QKLEIERLEK[Lys578Arg]NKTLEYKIEI